The following is an entry in ClinVar:

NM_005477.3(HCN4):c.3242A>G (p.Gln1081Arg)

Gene: HCN4 (hyperpolarization activated cyclic nucleotide gated potassium channel 4; minus strand). Cytogenetic location: 15q24.1.
Variant type: single nucleotide variant.
Coding change: c.3242A>G on transcript NM_005477.3 (MANE Select); coding-DNA position 3242, A replaced by G.
Protein change: p.Gln1081Arg; replaces glutamine 1081 with arginine.
Molecular consequence: missense variant.
Genome position (GRCh38, 1-based): chr15:73,322,851, T>C on the plus strand (A>G on the coding strand, the complement: HCN4 is on the minus strand). VCF-style: chr15-73322851-T-C. GRCh37 (hg19) VCF-style: chr15-73615192-T-C.
Other names: short protein forms Q1081R.
Identifiers: ClinVar variation 1041121 (VCV001041121.12), dbSNP rs1419820366, ClinGen allele CA393085950.

ClinVar aggregate classification (germline): Uncertain significance. Review status: criteria provided, multiple submitters, no conflicts (2 of 4 stars). 4 submissions from 4 submitters: Uncertain significance (4). Last evaluated 2024-09-10.

Conditions:
Epilepsy, idiopathic generalized, susceptibility to, 18. Identifiers: MedGen C5561983, MONDO:0030434, OMIM 619521.
Sick sinus syndrome 2, autosomal dominant (SSS2). Also called: SICK SINUS SYNDROME 2; SICK SINUS SYNDROME 2 WITH OR WITHOUT CARDIAC NONCOMPACTION AND/OR ASCENDING AORTA DILATION; ATRIAL FIBRILLATION WITH BRADYARRHYTHMIA; SINUS BRADYCARDIA SYNDROME, FAMILIAL, AUTOSOMAL DOMINANT; SINUS NODE DISEASE, FAMILIAL, AUTOSOMAL DOMINANT. Identifiers: Orphanet 166282, MedGen C1834144, MONDO:0008102, OMIM 163800.
Brugada syndrome 8 (BRGDA8). Identifiers: Orphanet 130, MedGen C2751083, MONDO:0013148, OMIM 613123.
Cardiovascular phenotype. Identifiers: MedGen CN230736.

Allele frequency attached by ClinVar (database versions not stated): gnomAD exomes below 0.00001; TOPMed below 0.00001.
gnomAD v4.1: 5 of 1,504,548 alleles (0.00033%); highest among the groups gnomAD compares: Admixed American, 0.0022%; no homozygotes.

Submissions (4):

Blueprint Genetics
Classification: Uncertain significance. Last evaluated: 2024-09-10. Review status: criteria provided, single submitter. Criteria: ACMG Guidelines, 2015. Collection method: clinical testing. Allele origin: germline.

Ambry Genetics
Classification: Uncertain significance for Cardiovascular phenotype. Last evaluated: 2022-06-22. Review status: criteria provided, single submitter. Criteria: Ambry Variant Classification Scheme 2023. Collection method: clinical testing. Allele origin: germline.
Comment: The p.Q1081R variant (also known as c.3242A>G), located in coding exon 8 of the HCN4 gene, results from an A to G substitution at nucleotide position 3242. The glutamine at codon 1081 is replaced by arginine, an amino acid with highly similar properties. This amino acid position is conserved. In addition, the in silico prediction for this alteration is inconclusive. Since supporting evidence is limited at this time, the clinical significance of this alteration remains unclear.

Fulgent Genetics
Classification: Uncertain significance for Sick sinus syndrome 2, autosomal dominant; Brugada syndrome 8; Epilepsy, idiopathic generalized, susceptibility to, 18. Last evaluated: 2021-07-12. Review status: criteria provided, single submitter. Criteria: ACMG Guidelines, 2015. Collection method: clinical testing. Allele origin: unknown.

Labcorp Genetics (formerly Invitae), Labcorp
Classification: Uncertain significance for Brugada syndrome 8. Last evaluated: 2020-01-30. Review status: criteria provided, single submitter. Criteria: Invitae Variant Classification Sherloc (09022015). Collection method: clinical testing. Allele origin: germline.
Comment: In summary, the available evidence is currently insufficient to determine the role of this variant in disease. Therefore, it has been classified as a Variant of Uncertain Significance. Algorithms developed to predict the effect of missense changes on protein structure and function are either unavailable or do not agree on the potential impact of this missense change (SIFT: "Deleterious"; PolyPhen-2: "Benign"; Align-GVGD: "Class C35"). This variant has not been reported in the literature in individuals with HCN4-related conditions. The frequency data for this variant in the population databases is considered unreliable, as metrics indicate insufficient coverage at this position in the ExAC database. This sequence change replaces glutamine with arginine at codon 1081 of the HCN4 protein (p.Gln1081Arg). The glutamine residue is highly conserved and there is a small physicochemical difference between glutamine and arginine.